The following is an entry in ClinVar:

ClinVar aggregate classification (germline): Uncertain significance (0 of 4 stars; one submission).

Allele frequency attached by ClinVar (database versions not stated): ExAC 0.00003; gnomAD 0.00003; gnomAD exomes 0.00003 and 0.00004; TOPMed 0.00003.
gnomAD v4.1: 69 of 1,612,896 alleles (0.0043%); highest among the groups gnomAD compares: Middle Eastern, 0.033%; no homozygotes.

Submission:

Department of Pathology and Laboratory Medicine, Sinai Health System
Classification: Uncertain significance. Review status: no assertion criteria provided. Collection method: clinical testing. Allele origin: unknown. Affected: yes. Study: The Canadian Open Genetics Repository (COGR).
Comment: The PPP1R3A p.Thr948Met variant was not identified in the literature nor was it identified in ClinVar or LOVD 3.0. The variant was identified in dbSNP (ID: rs754703917), Cosmic (FATHMM prediction of Neutral; score 0.16). The variant was also identified in control databases in 8 of 281096 chromosomes at a frequency of 0.000028 (Genome Aggregation Database Feb 27, 2017) and was observed in the following populations: Other in 1 of 7178 chromosomes (freq: 0.000139), South Asian in 3 of 30598 chromosomes (freq: 0.000098), African in 1 of 24920 chromosomes (freq: 0.00004), Latino in 1 of 35254 chromosomes (freq: 0.000028) and European (non-Finnish) in 2 of 127896 chromosomes (freq: 0.000016), while the variant was not observed in the Ashkenazi Jewish, East Asian and European (Finnish) populations. The variant occurs outside of the splicing consensus sequence and in silico or computational prediction software programs (SpliceSiteFinder, MaxEntScan, NNSPLICE, GeneSplicer) do not predict a difference in splicing. The p.Thr948 residue is not conserved in mammals and computational analyses (PolyPhen-2, SIFT, AlignGVGD, BLOSUM, MutationTaster) provide inconsistent predictions regarding the impact to the protein; this information is not very predictive of pathogenicity. In summary, based on the above information the clinical significance of this variant cannot be determined with certainty at this time. This variant is classified as a variant of uncertain significance.

NM_002711.4(PPP1R3A):c.2843C>T (p.Thr948Met)

Gene: PPP1R3A (protein phosphatase 1 regulatory subunit 3A; minus strand). Cytogenetic location: 7q31.1.
Variant type: single nucleotide variant.
Coding change: c.2843C>T on transcript NM_002711.4 (MANE Select); coding-DNA position 2843, C replaced by T.
Protein change: p.Thr948Met; replaces threonine 948 with methionine.
Molecular consequence: missense variant.
Genome position (GRCh38, 1-based): chr7:113,878,249, G>A on the plus strand (C>T on the coding strand, the complement: PPP1R3A is on the minus strand). VCF-style: chr7-113878249-G-A. GRCh37 (hg19) VCF-style: chr7-113518304-G-A.
Other names: short protein forms T948M.
Identifiers: ClinVar variation 1050578 (VCV001050578.1), dbSNP rs754703917, ClinGen allele CA4444997.